The following is an entry in ClinVar:

NM_000186.4(CFH):c.58+1G>T

Gene: CFH (complement factor H; plus strand). Cytogenetic location: 1q31.3.
Variant type: single nucleotide variant.
Coding change: c.58+1G>T on transcript NM_000186.4 (MANE Select); the canonical splice donor site of the intron after coding-DNA position 58, G replaced by T.
Molecular consequence: splice donor variant.
Genome position (GRCh38, 1-based): chr1:196,652,176, G>T. VCF-style: chr1-196652176-G-T. GRCh37 (hg19) VCF-style: chr1-196621306-G-T.
Other names: c.58+1G>T (NM_001014975.3).
Identifiers: ClinVar variation 3016330 (VCV003016330.3), dbSNP rs1666522276, ClinGen allele CA343989161.

ClinVar aggregate classification (germline): Likely pathogenic (1 of 4 stars; one submission).

Allele frequency attached by ClinVar (database versions not stated): TOPMed below 0.00001; gnomAD 0.00001.
gnomAD v4.1: 1 of 1,606,386 alleles (0.000062%); highest among the groups gnomAD compares: Non-Finnish European, 0.000085%; no homozygotes.

Submission:

Labcorp Genetics (formerly Invitae), Labcorp
Classification: Likely pathogenic. Last evaluated: 2024-04-29. Review status: criteria provided, single submitter. Criteria: Invitae Variant Classification Sherloc (09022015). Collection method: clinical testing. Allele origin: germline.
Comment: This sequence change affects a donor splice site in intron 1 of the CFH gene. It is expected to disrupt RNA splicing. Variants that disrupt the donor or acceptor splice site typically lead to a loss of protein function (PMID: 16199547), and loss-of-function variants in CFH are known to be pathogenic (PMID: 11170896, 14978182, 16621965, 23870792, 25188723). This variant is not present in population databases (gnomAD no frequency). This variant has not been reported in the literature in individuals affected with CFH-related conditions. Algorithms developed to predict the effect of sequence changes on RNA splicing suggest that this variant may disrupt the consensus splice site. In summary, the currently available evidence indicates that the variant is pathogenic, but additional data are needed to prove that conclusively. Therefore, this variant has been classified as Likely Pathogenic.

Literature cited by the submitters: PubMed 16199547; PubMed 11170896; PubMed 14978182; PubMed 16621965; PubMed 23870792; PubMed 25188723.